The following is an entry in ClinVar:

NM_021930.6(RINT1):c.1649T>A (p.Leu550Gln)

Gene: RINT1 (RAD50 interactor 1; plus strand). Cytogenetic location: 7q22.3.
Variant type: single nucleotide variant.
Coding change: c.1649T>A on transcript NM_021930.6 (MANE Select); coding-DNA position 1649, T replaced by A.
Protein change: p.Leu550Gln; replaces leucine 550 with glutamine.
Molecular consequence: missense variant.
Genome position (GRCh38, 1-based): chr7:105,555,205, T>A. VCF-style: chr7-105555205-T-A. GRCh37 (hg19) VCF-style: chr7-105195652-T-A.
Other names: c.1415T>A, p.Leu472Gln (NM_001346599.2); c.626T>A, p.Leu209Gln (NM_001346600.2, NM_001346603.2); c.725T>A, p.Leu242Gln (NM_001346601.2); short protein forms L209Q, L242Q, L472Q, L550Q.
Identifiers: ClinVar variation 3227611 (VCV003227611.1), dbSNP rs2485150321, ClinGen allele CA368811964.

ClinVar aggregate classification (germline): Uncertain significance (1 of 4 stars; one submission).

gnomAD v4.1: 4 of 1,613,788 alleles (0.00025%); highest among the groups gnomAD compares: Non-Finnish European, 0.00034%; no homozygotes.

Submission:

Ambry Genetics
Classification: Uncertain significance. Last evaluated: 2023-10-22. Review status: criteria provided, single submitter. Criteria: Ambry Variant Classification Scheme 2023. Collection method: clinical testing. Allele origin: germline.
Comment: The p.L550Q variant (also known as c.1649T>A), located in coding exon 11 of the RINT1 gene, results from a T to A substitution at nucleotide position 1649. The leucine at codon 550 is replaced by glutamine, an amino acid with dissimilar properties. This amino acid position is conserved. In addition, this alteration is predicted to be deleterious by in silico analysis. Since supporting evidence is limited at this time, the clinical significance of this alteration remains unclear.